The following is an entry in ClinVar:

NM_014254.3(RXYLT1):c.1130A>G (p.Lys377Arg)

Genes: RXYLT1 (ribitol xylosyltransferase 1; plus strand), RXYLT1-AS1 (RXYLT1 antisense RNA 1; minus strand). Cytogenetic location: 12q14.2.
Variant type: single nucleotide variant.
Coding change: c.1130A>G on transcript NM_014254.3 (MANE Select); coding-DNA position 1130, A replaced by G.
Protein change: p.Lys377Arg; replaces lysine 377 with arginine.
Molecular consequence: missense variant. On other transcripts: non-coding transcript variant (1).
Genome position (GRCh38, 1-based): chr12:63,808,890, A>G. VCF-style: chr12-63808890-A-G. GRCh37 (hg19) VCF-style: chr12-64202670-A-G.
Other names: c.1130A>G (NM_014254.1); c.350A>G, p.Lys117Arg (NM_001278237.2); short protein forms K117R, K377R.
Identifiers: ClinVar variation 1408663 (VCV001408663.8), dbSNP rs763122658, ClinGen allele CA6666251.

ClinVar aggregate classification (germline): Uncertain significance. Review status: criteria provided, multiple submitters, no conflicts (2 of 4 stars). 2 submissions from 2 submitters: Uncertain significance (2). Last evaluated 2026-03-31.

Conditions:
Inborn genetic diseases. Identifiers: MedGen C0950123, MeSH D030342.

Allele frequency attached by ClinVar (database versions not stated): gnomAD exomes 0.00006; TOPMed 0.00006; ExAC 0.00010; gnomAD 0.00009.
gnomAD v4.1: 107 of 1,614,024 alleles (0.0066%); highest among the groups gnomAD compares: Non-Finnish European, 0.0085%; no homozygotes.

Submissions (3):

Ambry Genetics
Classification: Uncertain significance for Inborn genetic diseases. Last evaluated: 2026-03-31. Review status: criteria provided, single submitter. Criteria: Ambry Variant Classification Scheme 2023. Collection method: clinical testing. Allele origin: germline.
Comment: The c.1130A>G (p.K377R) alteration is located in exon 6 (coding exon 6) of the TMEM5 gene. This alteration results from a A to G substitution at nucleotide position 1130, causing the lysine (K) at amino acid position 377 to be replaced by an arginine (R). Based on data from gnomAD, the G allele has an overall frequency of 0.006% (16/282726) total alleles studied. The highest observed frequency was 0.012% (16/129108) of European (non-Finnish) alleles. Based on insufficient or conflicting evidence, the clinical significance of this alteration remains unclear.

Labcorp Genetics (formerly Invitae), Labcorp
Classification: Uncertain significance. Last evaluated: 2022-10-05. Review status: criteria provided, single submitter. Criteria: Invitae Variant Classification Sherloc (09022015). Collection method: clinical testing. Allele origin: germline.
Comment: This sequence change replaces lysine, which is basic and polar, with arginine, which is basic and polar, at codon 377 of the RXYLT1 protein (p.Lys377Arg). This variant is present in population databases (rs763122658, gnomAD 0.01%). This variant has not been reported in the literature in individuals affected with RXYLT1-related conditions. ClinVar contains an entry for this variant (Variation ID: 1408663). Algorithms developed to predict the effect of missense changes on protein structure and function (SIFT, PolyPhen-2, Align-GVGD) all suggest that this variant is likely to be disruptive. In summary, the available evidence is currently insufficient to determine the role of this variant in disease. Therefore, it has been classified as a Variant of Uncertain Significance.

Dr. Peter K. Rogan Lab, Western University
No classification provided (evidence only). Condition: Familial cancer of breast. Review status: no classification provided. Collection method: in vitro. Allele origin: not applicable. Functional consequence: retained intron. Not counted in ClinVar's aggregate classification.